The following is an entry in ClinVar:

ClinVar aggregate classification (germline): Uncertain significance (1 of 4 stars; one submission).

Submission:

Labcorp Genetics (formerly Invitae), Labcorp
Classification: Uncertain significance. Last evaluated: 2024-04-30. Review status: criteria provided, single submitter. Criteria: Invitae Variant Classification Sherloc (09022015). Collection method: clinical testing. Allele origin: germline.
Comment: This sequence change affects the initiator methionine of the COL9A3 mRNA. The next in-frame methionine is located at codon 188. This variant is not present in population databases (gnomAD no frequency). This variant has not been reported in the literature in individuals affected with COL9A3-related conditions. Experimental studies and prediction algorithms are not available or were not evaluated, and the functional significance of this variant is currently unknown. In summary, the available evidence is currently insufficient to determine the role of this variant in disease. Therefore, it has been classified as a Variant of Uncertain Significance.

NM_001853.4(COL9A3):c.3G>A (p.Met1Ile)

Gene: COL9A3 (collagen type IX alpha 3 chain; plus strand). Cytogenetic location: 20q13.33.
Variant type: single nucleotide variant.
Coding change: c.3G>A on transcript NM_001853.4 (MANE Select); coding-DNA position 3, G replaced by A.
Protein change: p.Met1Ile; changes the start codon (methionine 1).
Molecular consequence: missense variant, initiator codon variant.
Genome position (GRCh38, 1-based): chr20:62,817,067, G>A. VCF-style: chr20-62817067-G-A. GRCh37 (hg19) VCF-style: chr20-61448419-G-A.
Other names: short protein forms M1I.
Identifiers: ClinVar variation 3652230 (VCV003652230.2).